The following is an entry in ClinVar:

NM_001363118.2(SLC52A2):c.673C>T (p.Pro225Ser)

Gene: SLC52A2 (solute carrier family 52 member 2; plus strand). Cytogenetic location: 8q24.3.
Variant type: single nucleotide variant.
Coding change: c.673C>T on transcript NM_001363118.2 (MANE Select); coding-DNA position 673, C replaced by T.
Protein change: p.Pro225Ser; replaces proline 225 with serine.
Molecular consequence: missense variant. On other transcripts: non-coding transcript variant (1).
Genome position (GRCh38, 1-based): chr8:144,360,165, C>T. VCF-style: chr8-144360165-C-T. GRCh37 (hg19) VCF-style: chr8-145583825-C-T.
Other names: c.673C>T, p.Pro225Ser (NM_001253815.2, NM_001253816.2, NM_001363120.2 and 2 more transcripts); c.181C>T, p.Pro61Ser (NM_001363122.2); c.409C>T, p.Pro137Ser (NM_001410949.1); short protein forms P137S, P225S, P61S.
Identifiers: ClinVar variation 1755183 (VCV001755183.2), dbSNP rs556094859, ClinGen allele CA4938257.

ClinVar aggregate classification (germline): Uncertain significance (1 of 4 stars; one submission).

Conditions:
Inborn genetic diseases. Identifiers: MedGen C0950123, MeSH D030342.

Allele frequency attached by ClinVar (database versions not stated): ExAC 0.00001; gnomAD 0.00001; 1000 Genomes Project 30x 0.00016; 1000 Genomes Project 0.00020.

Submission:

Ambry Genetics
Classification: Uncertain significance for Inborn genetic diseases. Last evaluated: 2022-04-25. Review status: criteria provided, single submitter. Criteria: Ambry Variant Classification Scheme 2023. Collection method: clinical testing. Allele origin: germline.
Comment: The p.P225S variant (also known as c.673C>T), located in coding exon 2 of the SLC52A2 gene, results from a C to T substitution at nucleotide position 673. The proline at codon 225 is replaced by serine, an amino acid with similar properties. This amino acid position is conserved. In addition, this alteration is predicted to be tolerated by in silico analysis. Since supporting evidence is limited at this time, the clinical significance of this alteration remains unclear.